The following is an entry in ClinVar:

ClinVar aggregate classification (germline): Conflicting classifications of pathogenicity. Review status: criteria provided, conflicting classifications (1 of 4 stars). 5 submissions from 5 submitters: Uncertain significance (3); Likely benign (1). 1 of the submissions does not count toward it. Last evaluated 2025-12-11.

Conditions:
Cardiovascular phenotype. Identifiers: MedGen CN230736.
Alstrom syndrome (ALMS). Identifiers: Orphanet 64, MedGen C0268425, MONDO:0008763, OMIM 203800.

Allele frequency attached by ClinVar (database versions not stated): gnomAD exomes below 0.00001; gnomAD 0.00014 and 0.00015.

Submissions (5):

Ambry Genetics
Classification: Likely benign for Cardiovascular phenotype. Last evaluated: 2025-12-11. Review status: criteria provided, single submitter. Criteria: Ambry Variant Classification Scheme 2023. Collection method: clinical testing. Allele origin: germline.

Women's Health and Genetics/Laboratory Corporation of America, LabCorp
Classification: Uncertain significance. Last evaluated: 2025-11-14. Review status: criteria provided, single submitter. Criteria: LabCorp Variant Classification Summary - May 2015. Collection method: clinical testing. Allele origin: germline.

Labcorp Genetics (formerly Invitae), Labcorp
Classification: Uncertain significance for Alstrom syndrome. Last evaluated: 2022-10-28. Review status: criteria provided, single submitter. Criteria: Invitae Variant Classification Sherloc (09022015). Collection method: clinical testing. Allele origin: germline.
Comment: This sequence change replaces glycine, which is neutral and non-polar, with valine, which is neutral and non-polar, at codon 1421 of the ALMS1 protein (p.Gly1421Val). The frequency data for this variant in the population databases is considered unreliable, as metrics indicate poor data quality at this position in the gnomAD database. This variant has not been reported in the literature in individuals affected with ALMS1-related conditions. ClinVar contains an entry for this variant (Variation ID: 999914). Experimental studies and prediction algorithms are not available or were not evaluated, and the functional significance of this variant is currently unknown. In summary, the available evidence is currently insufficient to determine the role of this variant in disease. Therefore, it has been classified as a Variant of Uncertain Significance.

Fulgent Genetics
Classification: Uncertain significance for Alstrom syndrome. Last evaluated: 2021-09-06. Review status: criteria provided, single submitter. Criteria: ACMG Guidelines, 2015. Collection method: clinical testing. Allele origin: unknown.

Natera, Inc.
Classification: Uncertain significance for Alstrom syndrome. Last evaluated: 2021-03-24. Review status: no assertion criteria provided. Collection method: clinical testing. Allele origin: germline. Not counted in ClinVar's aggregate classification.

NM_001378454.1(ALMS1):c.4259G>T (p.Gly1420Val)

Gene: ALMS1 (ALMS1 centrosome and basal body associated protein; plus strand). Cytogenetic location: 2p13.1.
Variant type: single nucleotide variant.
Coding change: c.4259G>T on transcript NM_001378454.1 (MANE Select); coding-DNA position 4259, G replaced by T.
Protein change: p.Gly1420Val; replaces glycine 1420 with valine.
Molecular consequence: missense variant.
Genome position (GRCh38, 1-based): chr2:73,450,786, G>T. VCF-style: chr2-73450786-G-T. GRCh37 (hg19) VCF-style: chr2-73677913-G-T.
Other names: c.4262G>T, p.Gly1421Val (NM_015120.4); short protein forms G1420V, G1421V.
Identifiers: ClinVar variation 999914 (VCV000999914.13), dbSNP rs1445492577, ClinGen allele CA347277897.